The following is an entry in ClinVar:

NM_031844.3(HNRNPU):c.994G>A (p.Gly332Ser)

Gene: HNRNPU (heterogeneous nuclear ribonucleoprotein U; minus strand). Cytogenetic location: 1q44.
Variant type: single nucleotide variant.
Coding change: c.994G>A on transcript NM_031844.3 (MANE Select); coding-DNA position 994, G replaced by A.
Protein change: p.Gly332Ser; replaces glycine 332 with serine.
Molecular consequence: missense variant.
Genome position (GRCh38, 1-based): chr1:244,860,358, C>T on the plus strand (G>A on the coding strand, the complement: HNRNPU is on the minus strand). VCF-style: chr1-244860358-C-T. GRCh37 (hg19) VCF-style: chr1-245023660-C-T.
Other names: c.937G>A, p.Gly313Ser (NM_004501.3); short protein forms G313S, G332S.
Identifiers: ClinVar variation 1800666 (VCV001800666.1), dbSNP rs2527885175, ClinGen allele CA345493779.

ClinVar aggregate classification (germline): Uncertain significance (1 of 4 stars; one submission).

Submission:

GeneDx
Classification: Uncertain significance. Last evaluated: 2022-05-19. Review status: criteria provided, single submitter. Criteria: GeneDx Variant Classification Process June 2021. Collection method: clinical testing. Allele origin: germline. Affected: yes.
Comment: Not observed at significant frequency in large population cohorts (gnomAD); In silico analysis supports that this missense variant has a deleterious effect on protein structure/function; Has not been previously published as pathogenic or benign to our knowledge